The following is an entry in ClinVar:

ClinVar aggregate classification (germline): Uncertain significance (1 of 4 stars; one submission).

Conditions:
Charcot-Marie-Tooth disease axonal type 2O. Also called: CHARCOT-MARIE-TOOTH NEUROPATHY, AXONAL, TYPE 2O; CHARCOT-MARIE-TOOTH DISEASE, AXONAL, AUTOSOMAL DOMINANT, TYPE 2O; Charcot-Marie-Tooth Neuropathy Type 2O; Charcot-Marie-Tooth disease, axonal, type 20. Identifiers: Orphanet 284232, MedGen C3280220, MONDO:0013644, OMIM 614228.

Submission:

Labcorp Genetics (formerly Invitae), Labcorp
Classification: Uncertain significance for Charcot-Marie-Tooth disease axonal type 2O. Last evaluated: 2023-04-25. Review status: criteria provided, single submitter. Criteria: Invitae Variant Classification Sherloc (09022015). Collection method: clinical testing. Allele origin: germline.
Comment: This sequence change replaces glutamic acid, which is acidic and polar, with aspartic acid, which is acidic and polar, at codon 4206 of the DYNC1H1 protein (p.Glu4206Asp). This variant is not present in population databases (gnomAD no frequency). This variant has not been reported in the literature in individuals affected with DYNC1H1-related conditions. Advanced modeling of protein sequence and biophysical properties (such as structural, functional, and spatial information, amino acid conservation, physicochemical variation, residue mobility, and thermodynamic stability) performed at Invitae indicates that this missense variant is not expected to disrupt DYNC1H1 protein function. In summary, the available evidence is currently insufficient to determine the role of this variant in disease. Therefore, it has been classified as a Variant of Uncertain Significance.

NM_001376.5(DYNC1H1):c.12618A>C (p.Glu4206Asp)

Gene: DYNC1H1 (dynein cytoplasmic 1 heavy chain 1; plus strand). Cytogenetic location: 14q32.31.
Variant type: single nucleotide variant.
Coding change: c.12618A>C on transcript NM_001376.5 (MANE Select); coding-DNA position 12618, A replaced by C.
Protein change: p.Glu4206Asp; replaces glutamic acid 4206 with aspartic acid.
Molecular consequence: missense variant.
Genome position (GRCh38, 1-based): chr14:102,043,979, A>C. VCF-style: chr14-102043979-A-C. GRCh37 (hg19) VCF-style: chr14-102510316-A-C.
Other names: short protein forms E4206D.
Identifiers: ClinVar variation 2855561 (VCV002855561.3), dbSNP rs2503865742, ClinGen allele CA391042416.
Genomic context (GRCh38, chr14:102,043,979, plus strand): 5'-TCATGCGATCATCCAAGAACGCTTACGATACGCACCACTGGGGTGGTCAAAGAAGTATGA[A>C]TTTGGAGAGTCTGACCTGCGGTCAGCTTGCGATACGGTGGACACGTGGCTGGATGACACG-3'
Protein context (NP_001367.2, residues 4196-4216): YAPLGWSKKY[Glu4206Asp]FGESDLRSAC